The following is an entry in ClinVar:

NM_016247.4(IMPG2):c.3272A>C (p.His1091Pro)

Gene: IMPG2 (interphotoreceptor matrix proteoglycan 2; minus strand). Cytogenetic location: 3q12.3.
Variant type: single nucleotide variant.
Coding change: c.3272A>C on transcript NM_016247.4 (MANE Select); coding-DNA position 3272, A replaced by C.
Protein change: p.His1091Pro; replaces histidine 1091 with proline.
Molecular consequence: missense variant.
Genome position (GRCh38, 1-based): chr3:101,231,107, T>G on the plus strand (A>C on the coding strand, the complement: IMPG2 is on the minus strand). VCF-style: chr3-101231107-T-G. GRCh37 (hg19) VCF-style: chr3-100949951-T-G.
Other names: short protein forms H1091P.
Identifiers: ClinVar variation 1367797 (VCV001367797.9), dbSNP rs1317837285, ClinGen allele CA353849019.

ClinVar aggregate classification (germline): Uncertain significance. Review status: criteria provided, single submitter (1 of 4 stars). 2 submissions from 2 submitters: Uncertain significance (1). 1 of the submissions does not count toward it. Last evaluated 2022-06-27.

Conditions:
Retinal dystrophy. Also called: Inherited retinal dystrophy. Identifiers: Orphanet 71862, MedGen C0854723, MeSH D058499, MONDO:0019118, HP:0000556.

gnomAD v4.1: 3 of 1,614,144 alleles (0.00019%); highest among the groups gnomAD compares: Non-Finnish European, 0.00025%; no homozygotes.

Submissions (2):

Labcorp Genetics (formerly Invitae), Labcorp
Classification: Uncertain significance. Last evaluated: 2022-06-27. Review status: criteria provided, single submitter. Criteria: Invitae Variant Classification Sherloc (09022015). Collection method: clinical testing. Allele origin: germline.
Comment: This sequence change replaces histidine, which is basic and polar, with proline, which is neutral and non-polar, at codon 1091 of the IMPG2 protein (p.His1091Pro). This variant is present in population databases (no rsID available, gnomAD 0.0009%). This variant has not been reported in the literature in individuals affected with IMPG2-related conditions. In summary, the available evidence is currently insufficient to determine the role of this variant in disease. Therefore, it has been classified as a Variant of Uncertain Significance. Algorithms developed to predict the effect of missense changes on protein structure and function (SIFT, PolyPhen-2, Align-GVGD) all suggest that this variant is likely to be disruptive.

Institute of Human Genetics, Univ. Regensburg, Univ. Regensburg
Classification: Uncertain significance for Retinal dystrophy. Last evaluated: 2017-01-01. Review status: no assertion criteria provided. Criteria: ACMG Guidelines, 2015. Collection method: clinical testing. Allele origin: germline. Affected: yes. Not counted in ClinVar's aggregate classification.